The following is an entry in ClinVar:

NM_178170.3(NEK8):c.119T>C (p.Met40Thr)

Gene: NEK8 (NIMA related kinase 8; plus strand). Cytogenetic location: 17q11.2.
Variant type: single nucleotide variant.
Coding change: c.119T>C on transcript NM_178170.3 (MANE Select); coding-DNA position 119, T replaced by C.
Protein change: p.Met40Thr; replaces methionine 40 with threonine.
Molecular consequence: missense variant.
Genome position (GRCh38, 1-based): chr17:28,734,054, T>C. VCF-style: chr17-28734054-T-C. GRCh37 (hg19) VCF-style: chr17-27061072-T-C.
Other names: short protein forms M40T.
Identifiers: ClinVar variation 4994910 (VCV004994910.1).
Genomic context (GRCh38, chr17:28,734,054, plus strand): 5'-TGTGCCTGCGAAAGGCTGACCAGAAGCTGGTGATCATCAAGCAGATTCCAGTGGAACAGA[T>C]GACCAAGGAAGAGCGGCAGGCAGCCCAGAATGAGTGCCAGGTCCTCAAGCTGCTCAACCA-3'
Protein context (NP_835464.1, residues 30-50): VIIKQIPVEQ[Met40Thr]TKEERQAAQN

ClinVar aggregate classification (germline): Uncertain significance (1 of 4 stars; one submission).

Conditions:
NEK8-related disorder. Also called: NEK8-related condition.

Submission:

PreventionGenetics, part of Exact Sciences
Classification: Uncertain significance for NEK8-related condition. Last evaluated: 2025-08-29. Review status: criteria provided, single submitter. Criteria: ACMG Guidelines, 2015. Collection method: clinical testing. Allele origin: germline.
Comment: The NEK8 c.119T>C variant is predicted to result in the amino acid substitution p.Met40Thr. To our knowledge, this variant has not been reported in the literature or in a large population database (gnomAD), indicating this variant is rare. This substitution is within the autosomal dominant polycystic kidney disease (ADPKD)-related kinase domain (Figure 2, Claus et al. 2023. PubMed ID: 37598857). At this time, the clinical significance of this variant is uncertain due to the absence of conclusive functional and genetic evidence.